The following is an entry in ClinVar:

NM_000430.4(PAFAH1B1):c.474C>T (p.Phe158=)

Gene: PAFAH1B1 (platelet activating factor acetylhydrolase 1b regulatory subunit 1; plus strand). Cytogenetic location: 17p13.3.
Variant type: single nucleotide variant.
Coding change: c.474C>T on transcript NM_000430.4 (MANE Select); coding-DNA position 474, C replaced by T.
Protein change: p.Phe158=; no amino-acid change (phenylalanine 158 retained).
Molecular consequence: synonymous variant.
Genome position (GRCh38, 1-based): chr17:2,670,237, C>T. VCF-style: chr17-2670237-C-T. GRCh37 (hg19) VCF-style: chr17-2573531-C-T.
Other names: p.Phe158=.
Identifiers: ClinVar variation 92998 (VCV000092998.23), dbSNP rs116237011, ClinGen allele CA146164.

ClinVar aggregate classification (germline): Benign/Likely benign. Review status: criteria provided, multiple submitters, no conflicts (2 of 4 stars). 8 submissions from 8 submitters: Benign (7); Likely benign (1). Last evaluated 2026-02-03.

Allele frequency attached by ClinVar (database versions not stated): gnomAD exomes 0.00149; ExAC 0.00189; 1000 Genomes Project 0.00499; gnomAD 0.00589 and 0.00638; 1000 Genomes Project 30x 0.00609; TOPMed 0.00659; ESP Exome Variant Server 0.00738.
gnomAD v4.1: 1,731 of 1,614,002 alleles (0.11%); highest among the groups gnomAD compares: African/African-American, 2%; 17 homozygotes.

Submissions (8):

Labcorp Genetics (formerly Invitae), Labcorp
Classification: Benign. Last evaluated: 2026-02-03. Review status: criteria provided, single submitter. Criteria: Invitae Variant Classification Sherloc (09022015). Collection method: clinical testing. Allele origin: germline.

Blueprint Genetics
Classification: Likely benign. Last evaluated: 2024-11-14. Review status: criteria provided, single submitter. Criteria: ACMG Guidelines, 2015. Collection method: clinical testing. Allele origin: germline.

ARUP Laboratories, Molecular Genetics and Genomics, ARUP Laboratories
Classification: Benign. Last evaluated: 2024-03-04. Review status: criteria provided, single submitter. Criteria: ARUP Molecular Germline Variant Investigation Process 2024. Collection method: clinical testing. Allele origin: germline.

Mayo Clinic Laboratories, Mayo Clinic
Classification: Benign. Last evaluated: 2019-03-19. Review status: criteria provided, single submitter. Criteria: ACMG Guidelines, 2015. Collection method: clinical testing. Allele origin: germline. Observed: 4 variant alleles.

GeneDx
Classification: Benign. Last evaluated: 2015-05-14. Review status: criteria provided, single submitter. Criteria: GeneDx Variant Classification (06012015). Collection method: clinical testing. Allele origin: germline. Affected: yes.
Comment: This variant is considered likely benign or benign based on one or more of the following criteria: it is a conservative change, it occurs at a poorly conserved position in the protein, it is predicted to be benign by multiple in silico algorithms, and/or has population frequency not consistent with disease.

Genetic Services Laboratory, University of Chicago
Classification: Benign. Last evaluated: 2013-02-08. Review status: criteria provided, single submitter. Criteria: ACMG Guidelines, 2007. Collection method: clinical testing. Allele origin: germline. Inheritance: Autosomal dominant inheritance.

Eurofins Ntd Llc (ga)
Classification: Benign. Last evaluated: 2012-12-03. Review status: criteria provided, single submitter. Criteria: EGL Classification Definitions 2015. Collection method: clinical testing. Allele origin: germline. Observed: 1 variant allele, 1 heterozygote.

Breakthrough Genomics
Classification: Benign. Review status: criteria provided, single submitter. Criteria: ACMG Guidelines, 2015. Collection method: not provided. Allele origin: germline. Inheritance: Autosomal dominant inheritance. Affected: yes.